The following is an entry in ClinVar:

NM_001018115.3(FANCD2):c.3295A>T (p.Lys1099Ter)

Genes: FANCD2 (FA complementation group D2; plus strand), FANCD2OS (FANCD2 opposite strand; minus strand). Cytogenetic location: 3p25.3.
Variant type: single nucleotide variant.
Coding change: c.3295A>T on transcript NM_001018115.3 (MANE Select); coding-DNA position 3295, A replaced by T.
Protein change: p.Lys1099Ter; replaces lysine 1099 with a stop codon.
Molecular consequence: nonsense. On other transcripts: intron variant (1).
Genome position (GRCh38, 1-based): chr3:10,085,882, A>T. VCF-style: chr3-10085882-A-T. GRCh37 (hg19) VCF-style: chr3-10127566-A-T.
Other names: c.3295A>T, p.Lys1099Ter (NM_001319984.2, NM_001374254.1, NM_033084.6); c.3184A>T, p.Lys1062Ter (NM_001374253.1); c.*44-4351T>A (NM_173472.2); short protein forms K1099*, K1062*.
Identifiers: ClinVar variation 4736309 (VCV004736309.1).
Genomic context (GRCh38, chr3:10,085,882, plus strand): 5'-TCTCAACCTGAAAATCAGAATTTACTGTATTCAGCCCTCCATGTCCTTAGTAGCCGACTG[A>T]AACAGGGAGAACACAGCCAGCCTTTGGAGGAACTACTCAGGTGAGTCATAACTACATAGC-3'

ClinVar aggregate classification (germline): Pathogenic (1 of 4 stars; one submission).

Conditions:
Fanconi anemia (FA). Also called: Fanconi's anemia. Identifiers: Orphanet 84, MedGen C0015625, MeSH D005199, MONDO:0019391.

Submission:

Labcorp Genetics (formerly Invitae), Labcorp
Classification: Pathogenic for Fanconi anemia. Last evaluated: 2026-01-27. Review status: criteria provided, single submitter. Criteria: Invitae Variant Classification Sherloc (09022015). Collection method: clinical testing. Allele origin: germline.
Comment: This sequence change creates a premature translational stop signal (p.Lys1099*) in the FANCD2 gene. It is expected to result in an absent or disrupted protein product. Loss-of-function variants in FANCD2 are known to be pathogenic (PMID: 17436244). This variant is not present in population databases (gnomAD no frequency). This variant has not been reported in the literature in individuals affected with FANCD2-related conditions. For these reasons, this variant has been classified as Pathogenic.

Literature cited by the submitters: PubMed 17436244.